The following is an entry in ClinVar:

ClinVar aggregate classification (germline): Uncertain significance. Review status: criteria provided, multiple submitters, no conflicts (2 of 4 stars). 2 submissions from 2 submitters: Uncertain significance (2). Last evaluated 2024-11-25.

Conditions:
Cardiovascular phenotype. Identifiers: MedGen CN230736.
Brugada syndrome. Also called: Sudden unexpected nocturnal death syndrome; Sudden unexplained nocturnal death syndrome; Sudden Unexplained Death Syndrome; Sudden Unexplained Nocturnal Death Syndrome (SUNDS). Identifiers: Orphanet 130, MedGen C1142166, MONDO:0015263.

Allele frequency attached by ClinVar (database versions not stated): TOPMed 0.00001; gnomAD 0.00002.
gnomAD v4.1: 20 of 1,614,020 alleles (0.0012%); highest among the groups gnomAD compares: Non-Finnish European, 0.0016%; no homozygotes.

Submissions (2):

Labcorp Genetics (formerly Invitae), Labcorp
Classification: Uncertain significance for Brugada syndrome. Last evaluated: 2024-11-25. Review status: criteria provided, single submitter. Criteria: Invitae Variant Classification Sherloc (09022015). Collection method: clinical testing. Allele origin: germline.
Comment: This sequence change replaces isoleucine, which is neutral and non-polar, with threonine, which is neutral and polar, at codon 797 of the SCN10A protein (p.Ile797Thr). This variant is present in population databases (no rsID available, gnomAD 0.002%). This variant has not been reported in the literature in individuals affected with SCN10A-related conditions. ClinVar contains an entry for this variant (Variation ID: 1790560). Invitae Evidence Modeling of protein sequence and biophysical properties (such as structural, functional, and spatial information, amino acid conservation, physicochemical variation, residue mobility, and thermodynamic stability) has been performed for this missense variant. However, the output from this modeling did not meet the statistical confidence thresholds required to predict the impact of this variant on SCN10A protein function. In summary, the available evidence is currently insufficient to determine the role of this variant in disease. Therefore, it has been classified as a Variant of Uncertain Significance.

Ambry Genetics
Classification: Uncertain significance for Cardiovascular phenotype. Last evaluated: 2022-10-23. Review status: criteria provided, single submitter. Criteria: Ambry Variant Classification Scheme 2023. Collection method: clinical testing. Allele origin: germline.
Comment: The p.I797T variant (also known as c.2390T>C), located in coding exon 15 of the SCN10A gene, results from a T to C substitution at nucleotide position 2390. The isoleucine at codon 797 is replaced by threonine, an amino acid with similar properties. This amino acid position is conserved. In addition, this alteration is predicted to be deleterious by in silico analysis. Since supporting evidence is limited at this time, the clinical significance of this alteration remains unclear.

NM_006514.4(SCN10A):c.2390T>C (p.Ile797Thr)

Gene: SCN10A (sodium voltage-gated channel alpha subunit 10; minus strand). Cytogenetic location: 3p22.2.
Variant type: single nucleotide variant.
Coding change: c.2390T>C on transcript NM_006514.4 (MANE Select); coding-DNA position 2390, T replaced by C.
Protein change: p.Ile797Thr; replaces isoleucine 797 with threonine.
Molecular consequence: missense variant.
Genome position (GRCh38, 1-based): chr3:38,728,792, A>G on the plus strand (T>C on the coding strand, the complement: SCN10A is on the minus strand). VCF-style: chr3-38728792-A-G. GRCh37 (hg19) VCF-style: chr3-38770283-A-G.
Other names: c.2390T>C, p.Ile797Thr (NM_001293306.2); c.2096T>C, p.Ile699Thr (NM_001293307.2); short protein forms I699T, I797T.
Identifiers: ClinVar variation 1790560 (VCV001790560.4), dbSNP rs1400466899, ClinGen allele CA352160793.